The following is an entry in ClinVar:

ClinVar aggregate classification (germline): Uncertain significance. Review status: criteria provided, multiple submitters, no conflicts (2 of 4 stars). 2 submissions from 2 submitters: Uncertain significance (2). Last evaluated 2026-02-15.

Conditions:
Inborn genetic diseases. Identifiers: MedGen C0950123, MeSH D030342.

gnomAD v4.1: 10 of 1,613,902 alleles (0.00062%); highest among the groups gnomAD compares: Non-Finnish European, 0.00085%; no homozygotes.

Submissions (2):

Ambry Genetics
Classification: Uncertain significance for Inborn genetic diseases. Last evaluated: 2026-02-15. Review status: criteria provided, single submitter. Criteria: Ambry Variant Classification Scheme 2023. Collection method: clinical testing. Allele origin: germline.
Comment: The p.I448V variant (also known as c.1342A>G), located in coding exon 1 of the SAMD9 gene, results from an A to G substitution at nucleotide position 1342. The isoleucine at codon 448 is replaced by valine, an amino acid with highly similar properties. This amino acid position is conserved. In addition, this alteration is predicted to be tolerated by in silico analysis. Based on the available evidence, the clinical significance of this variant remains unclear.

Labcorp Genetics (formerly Invitae), Labcorp
Classification: Uncertain significance. Last evaluated: 2021-08-20. Review status: criteria provided, single submitter. Criteria: Invitae Variant Classification Sherloc (09022015). Collection method: clinical testing. Allele origin: germline.

NM_017654.4(SAMD9):c.1342A>G (p.Ile448Val)

Gene: SAMD9 (sterile alpha motif domain containing 9; minus strand). Cytogenetic location: 7q21.2.
Variant type: single nucleotide variant.
Coding change: c.1342A>G on transcript NM_017654.4 (MANE Select); coding-DNA position 1342, A replaced by G.
Protein change: p.Ile448Val; replaces isoleucine 448 with valine.
Molecular consequence: missense variant.
Genome position (GRCh38, 1-based): chr7:93,104,756, T>C on the plus strand (A>G on the coding strand, the complement: SAMD9 is on the minus strand). VCF-style: chr7-93104756-T-C. GRCh37 (hg19) VCF-style: chr7-92734069-T-C.
Other names: c.1342A>G, p.Ile448Val (NM_001193307.2); c.1342A>G (NM_017654.3); short protein forms I448V.
Identifiers: ClinVar variation 1348996 (VCV001348996.4), dbSNP rs946402503, ClinGen allele CA161992790.